The following is an entry in ClinVar:

NM_000089.4(COL1A2):c.3267+1G>A

Gene: COL1A2 (collagen type I alpha 2 chain; plus strand). Cytogenetic location: 7q21.3.
Variant type: single nucleotide variant.
Coding change: c.3267+1G>A on transcript NM_000089.4 (MANE Select); the canonical splice donor site of the intron after coding-DNA position 3267, G replaced by A.
Molecular consequence: splice donor variant.
Genome position (GRCh38, 1-based): chr7:94,427,296, G>A. VCF-style: chr7-94427296-G-A. GRCh37 (hg19) VCF-style: chr7-94056608-G-A.
Identifiers: ClinVar variation 4843201 (VCV004843201.1).

ClinVar aggregate classification (germline): Uncertain significance (1 of 4 stars; one submission).

Conditions:
Cardiovascular phenotype. Identifiers: MedGen CN230736.

Submission:

Ambry Genetics
Classification: Uncertain significance for Cardiovascular phenotype. Last evaluated: 2025-12-17. Review status: criteria provided, single submitter. Criteria: Ambry Variant Classification Scheme 2023. Collection method: clinical testing. Allele origin: germline.
Comment: The c.3267+1G>A intronic variant results from a G to A substitution one nucleotide after coding exon 48 of the COL1A2 gene. Alterations that disrupt the canonical splice site are expected to result in aberrant splicing. In silico splice site analysis predicts that this alteration will weaken the native splice donor site and will result in the creation or strengthening of a novel splice donor site. A resulting transcript is predicted to be in-frame and is not expected to trigger nonsense-mediated mRNAdecay; although, direct evidence is unavailable. This nucleotide position is highly conserved in available vertebrate species. Based on the available evidence, the clinical significance of this variant remains unclear.